The following is an entry in ClinVar:

ClinVar aggregate classification (germline): Uncertain significance. Review status: criteria provided, multiple submitters, no conflicts (2 of 4 stars). 3 submissions from 3 submitters: Uncertain significance (3). Last evaluated 2023-09-22.

Conditions:
Inborn genetic diseases. Identifiers: MedGen C0950123, MeSH D030342.

Allele frequency attached by ClinVar (database versions not stated): gnomAD 0.00001 and 0.00002; TOPMed 0.00002; gnomAD exomes 0.00003 and 0.00010; ExAC 0.00012.
gnomAD v4.1: 39 of 1,595,654 alleles (0.0024%); highest among the groups gnomAD compares: East Asian, 0.085%; no homozygotes.

Submissions (3):

Ambry Genetics
Classification: Uncertain significance for Inborn genetic diseases. Last evaluated: 2023-09-22. Review status: criteria provided, single submitter. Criteria: Ambry Variant Classification Scheme 2023. Collection method: clinical testing. Allele origin: germline.

Labcorp Genetics (formerly Invitae), Labcorp
Classification: Uncertain significance. Last evaluated: 2021-08-27. Review status: criteria provided, single submitter. Criteria: Invitae Variant Classification Sherloc (09022015). Collection method: clinical testing. Allele origin: germline.
Comment: This sequence change replaces glycine with arginine at codon 523 of the FLVCR1 protein (p.Gly523Arg). The glycine residue is moderately conserved and there is a moderate physicochemical difference between glycine and arginine. This variant is present in population databases (rs372330163, ExAC 0.2%). This variant has not been reported in the literature in individuals affected with FLVCR1-related conditions. Algorithms developed to predict the effect of missense changes on protein structure and function (SIFT, PolyPhen-2, Align-GVGD) all suggest that this variant is likely to be tolerated. In summary, the available evidence is currently insufficient to determine the role of this variant in disease. Therefore, it has been classified as a Variant of Uncertain Significance.

Blueprint Genetics
Classification: Uncertain significance. Last evaluated: 2020-10-26. Review status: criteria provided, single submitter. Criteria: ACMG Guidelines, 2015. Collection method: clinical testing. Allele origin: germline.

NM_014053.4(FLVCR1):c.1567G>A (p.Gly523Arg)

Gene: FLVCR1 (FLVCR choline and heme transporter 1; plus strand). Cytogenetic location: 1q32.3.
Variant type: single nucleotide variant.
Coding change: c.1567G>A on transcript NM_014053.4 (MANE Select); coding-DNA position 1567, G replaced by A.
Protein change: p.Gly523Arg; replaces glycine 523 with arginine.
Molecular consequence: missense variant.
Genome position (GRCh38, 1-based): chr1:212,895,027, G>A. VCF-style: chr1-212895027-G-A. GRCh37 (hg19) VCF-style: chr1-213068369-G-A.
Other names: c.1567G>A (NM_014053.3); short protein forms G523R.
Identifiers: ClinVar variation 1020844 (VCV001020844.7), dbSNP rs372330163, ClinGen allele CA1386190.